The following is an entry in ClinVar:

ClinVar aggregate classification (germline): Uncertain significance (1 of 4 stars; one submission).

Submission:

Labcorp Genetics (formerly Invitae), Labcorp
Classification: Uncertain significance. Last evaluated: 2025-11-18. Review status: criteria provided, single submitter. Criteria: Invitae Variant Classification Sherloc (09022015). Collection method: clinical testing. Allele origin: germline.
Comment: This sequence change replaces glycine, which is neutral and non-polar, with valine, which is neutral and non-polar, at codon 374 of the ROR2 protein (p.Gly374Val). This variant is not present in population databases (gnomAD no frequency). This variant has not been reported in the literature in individuals affected with ROR2-related conditions. Invitae Evidence Modeling of protein sequence and biophysical properties (such as structural, functional, and spatial information, amino acid conservation, physicochemical variation, residue mobility, and thermodynamic stability) indicates that this missense variant is not expected to disrupt ROR2 protein function with a negative predictive value of 80%. In summary, the available evidence is currently insufficient to determine the role of this variant in disease. Therefore, it has been classified as a Variant of Uncertain Significance.

NM_004560.4(ROR2):c.1121G>T (p.Gly374Val)

Gene: ROR2 (receptor tyrosine kinase like orphan receptor 2; minus strand). Cytogenetic location: 9q22.31.
Variant type: single nucleotide variant.
Coding change: c.1121G>T on transcript NM_004560.4 (MANE Select); coding-DNA position 1121, G replaced by T.
Protein change: p.Gly374Val; replaces glycine 374 with valine.
Molecular consequence: missense variant.
Genome position (GRCh38, 1-based): chr9:91,730,972, C>A on the plus strand (G>T on the coding strand, the complement: ROR2 is on the minus strand). VCF-style: chr9-91730972-C-A. GRCh37 (hg19) VCF-style: chr9-94493254-C-A.
Other names: c.1121G>T, p.Gly374Val (NM_001318204.2); short protein forms G374V.
Identifiers: ClinVar variation 4742601 (VCV004742601.1).